The following is an entry in ClinVar:

ClinVar aggregate classification (germline): Likely benign. Review status: criteria provided, multiple submitters, no conflicts (2 of 4 stars). 2 submissions from 2 submitters: Likely benign (2). Last evaluated 2023-04-22.

Conditions:
Familial adenomatous polyposis 1 (FAP1). Also called: FAMILIAL ADENOMATOUS POLYPOSIS 1, ATTENUATED; POLYPOSIS, ADENOMATOUS INTESTINAL. Identifiers: MedGen C2713442, MONDO:0021056, OMIM 175100. Disease mechanism: loss of function.

Submissions (2):

Labcorp Genetics (formerly Invitae), Labcorp
Classification: Likely benign for Familial adenomatous polyposis 1. Last evaluated: 2023-04-22. Review status: criteria provided, single submitter. Criteria: Invitae Variant Classification Sherloc (09022015). Collection method: clinical testing. Allele origin: germline.

GeneDx
Classification: Likely benign. Last evaluated: 2016-06-10. Review status: criteria provided, single submitter. Criteria: GeneDx Variant Classification (06012015). Collection method: clinical testing. Allele origin: germline. Affected: yes.
Comment: This variant is considered likely benign or benign based on one or more of the following criteria: it is a conservative change, it occurs at a poorly conserved position in the protein, it is predicted to be benign by multiple in silico algorithms, and/or has population frequency not consistent with disease.

NM_000038.6(APC):c.1687T>C (p.Leu563=)

Gene: APC (APC regulator of Wnt signaling pathway; plus strand). Cytogenetic location: 5q22.2.
Variant type: single nucleotide variant.
Coding change: c.1687T>C on transcript NM_000038.6 (MANE Select); coding-DNA position 1687, T replaced by C.
Protein change: p.Leu563=; no amino-acid change (leucine 563 retained).
Molecular consequence: synonymous variant.
Genome position (GRCh38, 1-based): chr5:112,828,916, T>C. VCF-style: chr5-112828916-T-C. GRCh37 (hg19) VCF-style: chr5-112164613-T-C.
Other names: c.1687T>C, p.Leu563= (NM_001127510.3, NM_001354895.2); c.1633T>C, p.Leu545= (NM_001127511.3); c.1741T>C, p.Leu581= (NM_001354896.2); c.1717T>C, p.Leu573= (NM_001354897.2); c.1612T>C, p.Leu538= (NM_001354898.2); c.1603T>C, p.Leu535= (NM_001354899.2); c.1564T>C, p.Leu522= (NM_001354900.2); c.1510T>C, p.Leu504= (NM_001354901.2); and 5 more.
Identifiers: ClinVar variation 386911 (VCV000386911.4), dbSNP rs1057522640, ClinGen allele CA16604767.